The following is an entry in ClinVar:

ClinVar aggregate classification (germline): Uncertain significance. Review status: criteria provided, multiple submitters, no conflicts (2 of 4 stars). 3 submissions from 3 submitters: Uncertain significance (3). Last evaluated 2021-08-28.

Conditions:
Cardiovascular phenotype. Identifiers: MedGen CN230736.
Walker-Warburg congenital muscular dystrophy. Also called: Muscular dystrophy-dystroglycanopathy, type A; Walker-Warburg syndrome. Identifiers: Orphanet 899, MedGen C0265221, MONDO:0000171.

Allele frequency attached by ClinVar (database versions not stated): gnomAD exomes below 0.00001; TOPMed below 0.00001.
gnomAD v4.1: 3 of 1,611,178 alleles (0.00019%); highest among the groups gnomAD compares: Admixed American, 0.005%; no homozygotes.

Submissions (3):

Labcorp Genetics (formerly Invitae), Labcorp
Classification: Uncertain significance for Walker-Warburg congenital muscular dystrophy. Last evaluated: 2021-08-28. Review status: criteria provided, single submitter. Criteria: Invitae Variant Classification Sherloc (09022015). Collection method: clinical testing. Allele origin: germline.
Comment: This sequence change replaces leucine with isoleucine at codon 74 of the FKTN protein (p.Leu74Ile). The leucine residue is highly conserved and there is a small physicochemical difference between leucine and isoleucine. This variant is not present in population databases (ExAC no frequency). This variant has not been reported in the literature in individuals affected with FKTN-related conditions. Algorithms developed to predict the effect of missense changes on protein structure and function (SIFT, PolyPhen-2, Align-GVGD) all suggest that this variant is likely to be tolerated. In summary, the available evidence is currently insufficient to determine the role of this variant in disease. Therefore, it has been classified as a Variant of Uncertain Significance.

Ambry Genetics
Classification: Uncertain significance for Cardiovascular phenotype. Last evaluated: 2020-06-29. Review status: criteria provided, single submitter. Criteria: Ambry Variant Classification Scheme 2023. Collection method: clinical testing. Allele origin: germline.
Comment: The p.L74I variant (also known as c.220C>A), located in coding exon 3 of the FKTN gene, results from a C to A substitution at nucleotide position 220. The leucine at codon 74 is replaced by isoleucine, an amino acid with highly similar properties. This amino acid position is highly conserved in available vertebrate species. In addition, the in silico prediction for this alteration is inconclusive. Since supporting evidence is limited at this time, the clinical significance of this alteration remains unclear.

Revvity Omics, Revvity
Classification: Uncertain significance. Last evaluated: 2019-07-23. Review status: criteria provided, single submitter. Criteria: ACMG Guidelines, 2015. Collection method: clinical testing. Allele origin: germline.

NM_001079802.2(FKTN):c.220C>A (p.Leu74Ile)

Gene: FKTN (fukutin; plus strand). Cytogenetic location: 9q31.2.
Variant type: single nucleotide variant.
Coding change: c.220C>A on transcript NM_001079802.2 (MANE Select); coding-DNA position 220, C replaced by A.
Protein change: p.Leu74Ile; replaces leucine 74 with isoleucine.
Molecular consequence: missense variant. On other transcripts: 5 prime UTR variant (4), non-coding transcript variant (2).
Genome position (GRCh38, 1-based): chr9:105,601,199, C>A. VCF-style: chr9-105601199-C-A. GRCh37 (hg19) VCF-style: chr9-108363480-C-A.
Other names: c.220C>A, p.Leu74Ile (NM_001198963.2, NM_001351496.2, NM_001351498.2 and 1 more transcripts); c.151C>A, p.Leu51Ile (NM_001351497.2); c.-295C>A (NM_001351499.2, NM_001351500.2, NM_001351501.2 and 1 more transcripts); short protein forms L74I, L51I.
Identifiers: ClinVar variation 407109 (VCV000407109.12), dbSNP rs1060501407, ClinGen allele CA16612401.
Genomic context (GRCh38, chr9:105,601,199, plus strand): 5'-AAACAGCGTGCAGTTAAAAAATTTATTATGTTAACATCCAACCAAAATGTACCAGTGTTT[C>A]TTATTGATCCTTTGATACTGGAATTGATTAATAAGAACTTTGAACAAGTCAAAAATACTT-3'
Protein context (NP_001073270.1, residues 64-84): LTSNQNVPVF[Leu74Ile]IDPLILELIN